The following is an entry in ClinVar:

ClinVar aggregate classification (germline): Uncertain significance (1 of 4 stars; one submission).

Conditions:
Sulfite oxidase deficiency. Also called: Isolated sulfite oxidase deficiency. Identifiers: Orphanet 833, Orphanet 99731, MedGen C0268624, MONDO:0010089, OMIM 272300, HP:0003643.

Allele frequency attached by ClinVar (database versions not stated): gnomAD exomes below 0.00001.

Submission:

Labcorp Genetics (formerly Invitae), Labcorp
Classification: Uncertain significance for Sulfite oxidase deficiency. Last evaluated: 2022-01-22. Review status: criteria provided, single submitter. Criteria: Invitae Variant Classification Sherloc (09022015). Collection method: clinical testing. Allele origin: germline.
Comment: This variant is not present in population databases (gnomAD no frequency). In summary, the available evidence is currently insufficient to determine the role of this variant in disease. Therefore, it has been classified as a Variant of Uncertain Significance. Algorithms developed to predict the effect of missense changes on protein structure and function (SIFT, PolyPhen-2, Align-GVGD) all suggest that this variant is likely to be disruptive. This variant has not been reported in the literature in individuals affected with SUOX-related conditions. This sequence change replaces glycine, which is neutral and non-polar, with alanine, which is neutral and non-polar, at codon 295 of the SUOX protein (p.Gly295Ala).

NM_001032386.2(SUOX):c.884G>C (p.Gly295Ala)

Gene: SUOX (sulfite oxidase; plus strand). Cytogenetic location: 12q13.2.
Variant type: single nucleotide variant.
Coding change: c.884G>C on transcript NM_001032386.2 (MANE Select); coding-DNA position 884, G replaced by C.
Protein change: p.Gly295Ala; replaces glycine 295 with alanine.
Molecular consequence: missense variant.
Genome position (GRCh38, 1-based): chr12:56,004,273, G>C. VCF-style: chr12-56004273-G-C. GRCh37 (hg19) VCF-style: chr12-56398057-G-C.
Other names: c.884G>C, p.Gly295Ala (NM_000456.3, NM_001032387.2); short protein forms G295A.
Identifiers: ClinVar variation 2089056 (VCV002089056.4), dbSNP rs2540576774, ClinGen allele CA385288954.
Genomic context (GRCh38, chr12:56,004,273, plus strand): 5'-TCAAAGAAGTAAAAGGTCTGGAGTGGAGAACAGGAGCCATCAGCACTGCACGCTGGGCTG[G>C]GGCACGGCTCTGTGATGTGTTAGCCCAGGCTGGCCACCAACTCTGTGAAACTGAGGCCCA-3'
Protein context (NP_001027558.1, residues 285-305): TGAISTARWA[Gly295Ala]ARLCDVLAQA